The following is an entry in ClinVar:

NM_001388303.1(HECTD4):c.6037G>A (p.Ala2013Thr)

Gene: HECTD4 (HECT domain E3 ubiquitin protein ligase 4; minus strand). Cytogenetic location: 12q24.13.
Variant type: single nucleotide variant.
Coding change: c.6037G>A on transcript NM_001388303.1 (MANE Select); coding-DNA position 6037, G replaced by A.
Protein change: p.Ala2013Thr; replaces alanine 2013 with threonine.
Molecular consequence: missense variant.
Genome position (GRCh38, 1-based): chr12:112,231,676, C>T on the plus strand (G>A on the coding strand, the complement: HECTD4 is on the minus strand). VCF-style: chr12-112231676-C-T. GRCh37 (hg19) VCF-style: chr12-112669480-C-T.
Other names: c.6067G>A, p.Ala2023Thr (NM_001109662.4); short protein forms A2023T, A2013T.
Identifiers: ClinVar variation 5005038 (VCV005005038.2).

ClinVar aggregate classification (germline): Uncertain significance (1 of 4 stars; one submission).

Conditions:
Neurodevelopmental disorder with seizures, spasticity, and complete or partial agenesis of the corpus callosum (NEDSSCC). Identifiers: MedGen C5830296, MONDO:0859516, OMIM 620250.

gnomAD v4.1: 3 of 1,612,900 alleles (0.00019%); highest among the groups gnomAD compares: Non-Finnish European, 0.00025%; no homozygotes.

Submission:

Juno Genomics, Hangzhou Juno Genomics, Inc
Classification: Uncertain significance for Neurodevelopmental disorder with seizures, spasticity, and complete or partial agenesis of the corpus callosum. Review status: criteria provided, single submitter. Criteria: ACMG Guidelines, 2015. Collection method: clinical testing. Allele origin: germline.
Comment: Absent from controls (or at extremely low frequency if recessive) in Genome Aggregation Database.;Missense variant in a gene that has a low rate of benign missense variation.